The following is an entry in ClinVar:

ClinVar aggregate classification (germline): Conflicting classifications of pathogenicity. Review status: criteria provided, conflicting classifications (1 of 4 stars). 2 submissions from 2 submitters: Uncertain significance (1); Likely benign (1). Last evaluated 2026-06-01.

Conditions:
Ehlers-Danlos syndrome (EDS). Identifiers: Orphanet 98249, MedGen C0013720, MONDO:0020066.

Allele frequency attached by ClinVar (database versions not stated): gnomAD 0.00009 and 0.00010; gnomAD exomes 0.00011; ExAC 0.00020.

Submissions (2):

CeGaT Center for Human Genetics Tuebingen
Classification: Likely benign. Last evaluated: 2026-06-01. Review status: criteria provided, single submitter. Criteria: CeGaT Center For Human Genetics Tuebingen Variant Classification Criteria Version 2. Collection method: clinical testing. Allele origin: germline. Affected: yes. Observed: 4 variant alleles.
Comment: TNXB: BP4, BP7

Genome Diagnostics Laboratory, The Hospital for Sick Children
Classification: Uncertain significance for Ehlers-Danlos syndrome. Last evaluated: 2019-08-01. Review status: criteria provided, single submitter. Criteria: ACMG Guidelines, 2015. Collection method: clinical testing. Allele origin: germline.

NM_001365276.2(TNXB):c.10812C>T (p.Gly3604=)

Genes: TNXB (tenascin XB; minus strand), LOC106780803 (tenascin XB recombination region; plus strand). Cytogenetic location: 6p21.33.
Variant type: single nucleotide variant.
Coding change: c.10812C>T on transcript NM_001365276.2 (MANE Select); coding-DNA position 10812, C replaced by T.
Protein change: p.Gly3604=; no amino-acid change (glycine 3604 retained).
Molecular consequence: synonymous variant.
Genome position (GRCh38, 1-based): chr6:32,045,121, G>A on the plus strand (C>T on the coding strand, the complement: TNXB is on the minus strand). VCF-style: chr6-32045121-G-A. GRCh37 (hg19) VCF-style: chr6-32012898-G-A.
Other names: c.99C>T, p.Gly33= (NM_032470.4); c.10806C>T, p.Gly3602= (NM_019105.8).
Identifiers: ClinVar variation 1335621 (VCV001335621.38), dbSNP rs769797413, ClinGen allele CA3733132.